The following is an entry in ClinVar:

NM_021620.4(PRDM13):c.353G>T (p.Trp118Leu)

Gene: PRDM13 (PR/SET domain 13; plus strand). Cytogenetic location: 6q16.2.
Variant type: single nucleotide variant.
Coding change: c.353G>T on transcript NM_021620.4 (MANE Select); coding-DNA position 353, G replaced by T.
Protein change: p.Trp118Leu; replaces tryptophan 118 with leucine.
Molecular consequence: missense variant.
Genome position (GRCh38, 1-based): chr6:99,609,263, G>T. VCF-style: chr6-99609263-G-T. GRCh37 (hg19) VCF-style: chr6-100057139-G-T.
Other names: short protein forms W118L.
Identifiers: ClinVar variation 1016645 (VCV001016645.10), dbSNP rs897314122, ClinGen allele CA143972454.

ClinVar aggregate classification (germline): Uncertain significance (1 of 4 stars; one submission).

Allele frequency attached by ClinVar (database versions not stated): gnomAD exomes below 0.00001; gnomAD 0.00001.
gnomAD v4.1: 5 of 1,613,908 alleles (0.00031%); highest among the groups gnomAD compares: African/African-American, 0.0013%; no homozygotes.

Submission:

Labcorp Genetics (formerly Invitae), Labcorp
Classification: Uncertain significance. Last evaluated: 2024-11-19. Review status: criteria provided, single submitter. Criteria: Invitae Variant Classification Sherloc (09022015). Collection method: clinical testing. Allele origin: germline.
Comment: This sequence change replaces tryptophan, which is neutral and slightly polar, with leucine, which is neutral and non-polar, at codon 118 of the PRDM13 protein (p.Trp118Leu). This variant is present in population databases (no rsID available, gnomAD 0.007%). This variant has not been reported in the literature in individuals affected with PRDM13-related conditions. ClinVar contains an entry for this variant (Variation ID: 1016645). An algorithm developed to predict the effect of missense changes on protein structure and function (PolyPhen-2) suggests that this variant is likely to be disruptive. In summary, the available evidence is currently insufficient to determine the role of this variant in disease. Therefore, it has been classified as a Variant of Uncertain Significance.